The following is an entry in ClinVar:

ClinVar aggregate classification (germline): Uncertain significance (1 of 4 stars; one submission).

Conditions:
Leigh syndrome (NULS). Also called: Leigh's necrotizing encephalopathy; Leigh's disease; Leigh Syndrome (mtDNA deletion); LEIGH SYNDROME, NUCLEAR; Leigh's syndrome; Leigh Disease. Identifiers: Orphanet 506, MedGen C2931891, MONDO:0009723, OMIM 256000.

Allele frequency attached by ClinVar (database versions not stated): gnomAD exomes below 0.00001.
gnomAD v4.1: 1 of 1,611,532 alleles (0.000062%); highest among the groups gnomAD compares: Non-Finnish European, 0.000085%; no homozygotes.

Submission:

Labcorp Genetics (formerly Invitae), Labcorp
Classification: Uncertain significance for Leigh syndrome. Last evaluated: 2022-06-07. Review status: criteria provided, single submitter. Criteria: Invitae Variant Classification Sherloc (09022015). Collection method: clinical testing. Allele origin: germline.
Comment: In summary, the available evidence is currently insufficient to determine the role of this variant in disease. Therefore, it has been classified as a Variant of Uncertain Significance. Algorithms developed to predict the effect of missense changes on protein structure and function are either unavailable or do not agree on the potential impact of this missense change (SIFT: "Deleterious"; PolyPhen-2: "Probably Damaging"; Align-GVGD: "Class C0"). This variant has not been reported in the literature in individuals affected with SURF1-related conditions. This variant is not present in population databases (gnomAD no frequency). This sequence change replaces leucine, which is neutral and non-polar, with proline, which is neutral and non-polar, at codon 272 of the SURF1 protein (p.Leu272Pro).

NM_003172.4(SURF1):c.815T>C (p.Leu272Pro)

Gene: SURF1 (SURF1 cytochrome c oxidase assembly factor; minus strand). Cytogenetic location: 9q34.2.
Variant type: single nucleotide variant.
Coding change: c.815T>C on transcript NM_003172.4 (MANE Select); coding-DNA position 815, T replaced by C.
Protein change: p.Leu272Pro; replaces leucine 272 with proline.
Molecular consequence: missense variant.
Genome position (GRCh38, 1-based): chr9:133,352,079, A>G on the plus strand (T>C on the coding strand, the complement: SURF1 is on the minus strand). VCF-style: chr9-133352079-A-G. GRCh37 (hg19) VCF-style: chr9-136218934-A-G.
Other names: c.488T>C, p.Leu163Pro (NM_001280787.1); short protein forms L272P, L163P.
Identifiers: ClinVar variation 2002730 (VCV002002730.2), dbSNP rs1836430752, ClinGen allele CA375693461.